The following is an entry in ClinVar:

ClinVar aggregate classification (germline): Uncertain significance. Review status: criteria provided, multiple submitters, no conflicts (2 of 4 stars). 2 submissions from 2 submitters: Uncertain significance (2). Last evaluated 2024-10-29.

Conditions:
Emery-Dreifuss muscular dystrophy 5, autosomal dominant (EDMD5). Also called: EMERY-DREIFUSS MUSCULAR DYSTROPHY 5. Identifiers: Orphanet 261, MedGen C2751805, MONDO:0013072, OMIM 612999.

Allele frequency attached by ClinVar (database versions not stated): gnomAD exomes below 0.00001 and 0.00001; gnomAD 0.00001; TOPMed 0.00002.
gnomAD v4.1: 4 of 1,613,212 alleles (0.00025%); highest among the groups gnomAD compares: Admixed American, 0.005%; no homozygotes.

Submissions (2):

Ambry Genetics
Classification: Uncertain significance. Last evaluated: 2024-10-29. Review status: criteria provided, single submitter. Criteria: Ambry Variant Classification Scheme 2023. Collection method: clinical testing. Allele origin: germline.

Labcorp Genetics (formerly Invitae), Labcorp
Classification: Uncertain significance for Emery-Dreifuss muscular dystrophy 5, autosomal dominant. Last evaluated: 2021-08-31. Review status: criteria provided, single submitter. Criteria: Invitae Variant Classification Sherloc (09022015). Collection method: clinical testing. Allele origin: germline.
Comment: This sequence change replaces aspartic acid with tyrosine at codon 1186 of the SYNE2 protein (p.Asp1186Tyr). The aspartic acid residue is weakly conserved and there is a large physicochemical difference between aspartic acid and tyrosine. In summary, the available evidence is currently insufficient to determine the role of this variant in disease. Therefore, it has been classified as a Variant of Uncertain Significance. Algorithms developed to predict the effect of missense changes on protein structure and function are either unavailable or do not agree on the potential impact of this missense change (SIFT: "Deleterious"; PolyPhen-2: "Probably Damaging"; Align-GVGD: "Class C0"). This variant is not present in population databases (ExAC no frequency). This variant has not been reported in the literature in individuals affected with SYNE2-related conditions.

NM_182914.3(SYNE2):c.3556G>T (p.Asp1186Tyr)

Gene: SYNE2 (spectrin repeat containing nuclear envelope protein 2; plus strand). Cytogenetic location: 14q23.2.
Variant type: single nucleotide variant.
Coding change: c.3556G>T on transcript NM_182914.3 (MANE Select); coding-DNA position 3556, G replaced by T.
Protein change: p.Asp1186Tyr; replaces aspartic acid 1186 with tyrosine.
Molecular consequence: missense variant.
Genome position (GRCh38, 1-based): chr14:64,000,637, G>T. VCF-style: chr14-64000637-G-T. GRCh37 (hg19) VCF-style: chr14-64467355-G-T.
Other names: c.3556G>T, p.Asp1186Tyr (NM_015180.6); c.3556G>T (NM_182914.2); short protein forms D1186Y.
Identifiers: ClinVar variation 1404842 (VCV001404842.7), dbSNP rs898209839, ClinGen allele CA261845710.